The following is an entry in ClinVar:

ClinVar aggregate classification (germline): Benign/Likely benign. Review status: criteria provided, multiple submitters, no conflicts (2 of 4 stars). 11 submissions from 11 submitters: Benign (5); Likely benign (3). 3 of the submissions do not count toward it. Last evaluated 2026-02-02.

Conditions:
Niemann-Pick disease, type C1. Also called: NEUROVISCERAL STORAGE DISEASE WITH VERTICAL SUPRANUCLEAR OPHTHALMOPLEGIA; NIEMANN-PICK DISEASE WITH CHOLESTEROL ESTERIFICATION BLOCK; NIEMANN-PICK DISEASE WITHOUT SPHINGOMYELINASE DEFICIENCY; NIEMANN-PICK DISEASE, CHRONIC NEURONOPATHIC FORM; NIEMANN-PICK DISEASE, VARIANT TYPE C1. Identifiers: Orphanet 646, MedGen C3179455, MONDO:0009757, OMIM 257220.

Allele frequency attached by ClinVar (database versions not stated): gnomAD exomes 0.00033 and 0.00088; ExAC 0.00097; 1000 Genomes Project 0.00260; 1000 Genomes Project 30x 0.00281; gnomAD 0.00336 and 0.00363; TOPMed 0.00384; ESP Exome Variant Server 0.00469.
gnomAD v4.1: 1,020 of 1,614,206 alleles (0.063%); highest among the groups gnomAD compares: African/African-American, 1.2%; 6 homozygotes.

Submissions (11):

Labcorp Genetics (formerly Invitae), Labcorp
Classification: Benign for Niemann-Pick disease, type C1. Last evaluated: 2026-02-02. Review status: criteria provided, single submitter. Criteria: Invitae Variant Classification Sherloc (09022015). Collection method: clinical testing. Allele origin: germline.

Mayo Clinic Laboratories, Mayo Clinic
Classification: Likely benign. Last evaluated: 2025-12-05. Review status: criteria provided, single submitter. Criteria: ACMG Guidelines, 2015. Collection method: clinical testing. Allele origin: germline. Observed: 6 variant alleles.
Comment: BA1, PP3

CeGaT Center for Human Genetics Tuebingen
Classification: Likely benign. Last evaluated: 2025-08-01. Review status: criteria provided, single submitter. Criteria: CeGaT Center For Human Genetics Tuebingen Variant Classification Criteria Version 2. Collection method: clinical testing. Allele origin: germline. Affected: yes. Observed: 1 variant allele.
Comment: NPC1: BS1

Blueprint Genetics
Classification: Likely benign. Last evaluated: 2024-11-25. Review status: criteria provided, single submitter. Criteria: ACMG Guidelines, 2015. Collection method: clinical testing. Allele origin: germline.

Women's Health and Genetics/Laboratory Corporation of America, LabCorp
Classification: Benign. Last evaluated: 2022-07-06. Review status: criteria provided, single submitter. Criteria: LabCorp Variant Classification Summary - May 2015. Collection method: clinical testing. Allele origin: germline.
Comment: Variant summary: NPC1 c.3598A>G (p.Ser1200Gly) results in a non-conservative amino acid change in the encoded protein sequence. Five of five in-silico tools predict a damaging effect of the variant on protein function. The variant allele was found at a frequency of 0.0012 in 282832 control chromosomes (gnomAD), predominantly at a frequency of 0.013 within the African or African-American subpopulation in the gnomAD database, including 2 homozygotes. The observed variant frequency within African or African-American control individuals in the gnomAD database is approximately 5-fold of the estimated maximal expected allele frequency for a pathogenic variant in NPC1 causing Niemann-Pick Disease Type C (0.0027), strongly suggesting that the variant is a benign polymorphism found primarily in populations of African or African-American origin. The variant has also been found at a high frequency (0.00355) in an analysis of several large databases, indicating the allele is very unlikely to be associated with Niemann-Pick Disease Type C (NP-C) (e.g. Wassif_2016). c.3598A>G has been reported in the literature in at least one heterozygous individual affected with NP-C and in a heterozygous individual suspected of NP-C, without strong evidence of causality (e.g. Bauer_2013, Nadjar_2018). These reports do not provide unequivocal conclusions about association of the variant with Niemann-Pick Disease Type C. To our knowledge, no experimental evidence demonstrating an impact on protein function has been reported. Six assessments for this variant have been submitted to ClinVar after 2014 without evidence for independent evaluation. The majority of submitters classified the variant as benign (n=5), and one submitter classified it as VUS. Based on the evidence outlined above, the variant was classified as benign.

GeneDx
Classification: Benign. Last evaluated: 2020-04-02. Review status: criteria provided, single submitter. Criteria: GeneDx Variant Classification Process June 2021. Collection method: clinical testing. Allele origin: germline. Affected: yes.
Comment: This variant is associated with the following publications: (PMID: 23773996, 25764212, 30556376)

Clinical Genetics DNA and cytogenetics Diagnostics Lab, Erasmus MC, Erasmus Medical Center
Classification: Benign for Niemann-Pick disease, type C1. Last evaluated: 2017-06-30. Review status: criteria provided, single submitter. Criteria: ACGS Guidelines, 2013. Collection method: clinical testing. Allele origin: germline. Affected: yes. Study: VKGL Data-share Consensus.

Eurofins Ntd Llc (ga)
Classification: Benign. Last evaluated: 2015-11-12. Review status: criteria provided, single submitter. Criteria: EGL Classification Definitions 2015. Collection method: clinical testing. Allele origin: germline. Observed: 1 variant allele, 1 heterozygote.

Natera, Inc.
Classification: Benign for Niemann-Pick disease type C1. Last evaluated: 2019-10-31. Review status: no assertion criteria provided. Collection method: clinical testing. Allele origin: germline. Not counted in ClinVar's aggregate classification.

Diagnostic Laboratory, Department of Genetics, University Medical Center Groningen
Classification: Benign for Niemann-Pick disease, type C1. Review status: no assertion criteria provided. Collection method: clinical testing. Allele origin: germline. Affected: yes. Study: VKGL Data-share Consensus. Not counted in ClinVar's aggregate classification.

Genome Diagnostics Laboratory, Amsterdam University Medical Center
Classification: Benign. Review status: no assertion criteria provided. Collection method: clinical testing. Allele origin: germline. Affected: yes. Study: VKGL Data-share Consensus. Not counted in ClinVar's aggregate classification.

Literature cited by the submitters: PubMed 23773996 (cited by Mayo Clinic Laboratories, Mayo Clinic and Women's Health and Genetics/Laboratory Corporation of America, LabCorp); PubMed 25764212 (cited by Mayo Clinic Laboratories, Mayo Clinic and Women's Health and Genetics/Laboratory Corporation of America, LabCorp); PubMed 26890452 (cited by Mayo Clinic Laboratories, Mayo Clinic); PubMed 30285904 (cited by Women's Health and Genetics/Laboratory Corporation of America, LabCorp).

NM_000271.5(NPC1):c.3598A>G (p.Ser1200Gly)

Gene: NPC1 (NPC intracellular cholesterol transporter 1; minus strand). Cytogenetic location: 18q11.2.
Variant type: single nucleotide variant.
Coding change: c.3598A>G on transcript NM_000271.5 (MANE Select); coding-DNA position 3598, A replaced by G.
Protein change: p.Ser1200Gly; replaces serine 1200 with glycine.
Molecular consequence: missense variant.
Genome position (GRCh38, 1-based): chr18:23,533,511, T>C on the plus strand (A>G on the coding strand, the complement: NPC1 is on the minus strand). VCF-style: chr18-23533511-T-C. GRCh37 (hg19) VCF-style: chr18-21113475-T-C.
Other names: short protein forms S1200G.
Identifiers: ClinVar variation 284662 (VCV000284662.36), dbSNP rs35248744, ClinGen allele CA8912692.
Genomic context (GRCh38, chr18:23,533,511, plus strand): 5'-TTTGAGATTTGGCAAAAGCCAACACCACAATCCCTCCAAATTTTGTAAGTGTGATTCCAC[T>C]GAACACCTAAAAGAAGAGATACTGTGTTAGAAACCACTTTTACCAACCTGTAATTGAACA-3'
Protein context (NP_000262.2, residues 1190-1210): ALAHMGSSVF[Ser1200Gly]GITLTKFGGI